The following is an entry in ClinVar:

NM_000142.5(FGFR3):c.160G>A (p.Gly54Arg)

Gene: FGFR3 (fibroblast growth factor receptor 3; plus strand). Cytogenetic location: 4p16.3.
Variant type: single nucleotide variant.
Coding change: c.160G>A on transcript NM_000142.5 (MANE Select); coding-DNA position 160, G replaced by A.
Protein change: p.Gly54Arg; replaces glycine 54 with arginine.
Molecular consequence: missense variant. On other transcripts: non-coding transcript variant (1).
Genome position (GRCh38, 1-based): chr4:1,799,304, G>A. VCF-style: chr4-1799304-G-A. GRCh37 (hg19) VCF-style: chr4-1801031-G-A.
Other names: c.160G>A, p.Gly54Arg (NM_001163213.2, NM_001354809.2, NM_001354810.2 and 1 more transcripts); short protein forms G54R.
Identifiers: ClinVar variation 2000392 (VCV002000392.7), dbSNP rs370940011, ClinGen allele CA2809733.
Genomic context (GRCh38, chr4:1,799,304, plus strand): 5'-TTCCCCACAGAAGTCCCGGGCCCAGAGCCCGGCCAGCAGGAGCAGTTGGTCTTCGGCAGC[G>A]GGGATGCTGTGGAGCTGAGCTGTCCCCCGCCCGGGGGTGGTCCCATGGGGCCCACTGTCT-3'
Protein context (NP_000133.1, residues 44-64): GQQEQLVFGS[Gly54Arg]DAVELSCPPP

ClinVar aggregate classification (germline): Uncertain significance. Review status: criteria provided, multiple submitters, no conflicts (2 of 4 stars). 3 submissions from 3 submitters: Uncertain significance (3). Last evaluated 2026-05-06.

Conditions:
FGFR3-related disorder. Also called: FGFR3-related disorders.

Allele frequency attached by ClinVar (database versions not stated): ExAC 0.00005; gnomAD 0.00005; TOPMed 0.00005; gnomAD exomes 0.00006; ESP Exome Variant Server 0.00008.
gnomAD v4.1: 91 of 1,612,602 alleles (0.0056%); highest among the groups gnomAD compares: Non-Finnish European, 0.0074%; no homozygotes.

Submissions (3):

PreventionGenetics, part of Exact Sciences
Classification: Uncertain significance for FGFR3-related condition. Last evaluated: 2026-05-06. Review status: criteria provided, single submitter. Criteria: ACMG Guidelines, 2015. Collection method: clinical testing. Allele origin: germline.
Comment: The FGFR3 c.160G>A variant is predicted to result in the amino acid substitution p.Gly54Arg. To our knowledge, this variant has not been reported in the literature in individuals with FGFR3-related disorders. This variant is reported in 0.0091% of alleles in individuals of European (Non-Finnish) descent in gnomAD. At this time, the clinical significance of this variant is uncertain due to the absence of conclusive functional and genetic evidence.

Labcorp Genetics (formerly Invitae), Labcorp
Classification: Uncertain significance. Last evaluated: 2025-04-26. Review status: criteria provided, single submitter. Criteria: Invitae Variant Classification Sherloc (09022015). Collection method: clinical testing. Allele origin: germline.
Comment: This sequence change replaces glycine, which is neutral and non-polar, with arginine, which is basic and polar, at codon 54 of the FGFR3 protein (p.Gly54Arg). This variant is present in population databases (rs370940011, gnomAD 0.009%). This variant has not been reported in the literature in individuals affected with FGFR3-related conditions. ClinVar contains an entry for this variant (Variation ID: 2000392). Invitae Evidence Modeling of protein sequence and biophysical properties (such as structural, functional, and spatial information, amino acid conservation, physicochemical variation, residue mobility, and thermodynamic stability) has been performed for this missense variant. However, the output from this modeling did not meet the statistical confidence thresholds required to predict the impact of this variant on FGFR3 protein function. In summary, the available evidence is currently insufficient to determine the role of this variant in disease. Therefore, it has been classified as a Variant of Uncertain Significance.

GeneDx
Classification: Uncertain significance. Last evaluated: 2025-04-11. Review status: criteria provided, single submitter. Criteria: GeneDx Variant Classification Process June 2021. Collection method: clinical testing. Allele origin: germline. Affected: yes.
Comment: In silico analysis supports that this missense variant has a deleterious effect on protein structure/function; Has not been previously published as pathogenic or benign to our knowledge